The following is an entry in ClinVar:

NM_001289808.2(CRYAB):c.91C>T (p.His31Tyr)

Gene: CRYAB (crystallin alpha B; minus strand). Cytogenetic location: 11q23.1.
Variant type: single nucleotide variant.
Coding change: c.91C>T on transcript NM_001289808.2 (MANE Select); coding-DNA position 91, C replaced by T.
Protein change: p.His31Tyr; replaces histidine 31 with tyrosine.
Molecular consequence: missense variant.
Genome position (GRCh38, 1-based): chr11:111,911,634, G>A on the plus strand (C>T on the coding strand, the complement: CRYAB is on the minus strand). VCF-style: chr11-111911634-G-A. GRCh37 (hg19) VCF-style: chr11-111782358-G-A.
Other names: c.91C>T, p.His31Tyr (NM_001289807.1, NM_001368245.1, NM_001885.3); short protein forms H31Y.
Identifiers: ClinVar variation 4749545 (VCV004749545.1).

ClinVar aggregate classification (germline): Uncertain significance (1 of 4 stars; one submission).

Conditions:
Dilated cardiomyopathy 1II (CMD1II). Identifiers: Orphanet 154, MedGen C3554649, MONDO:0014073, OMIM 615184.

Submission:

Labcorp Genetics (formerly Invitae), Labcorp
Classification: Uncertain significance for Dilated cardiomyopathy 1II. Last evaluated: 2025-08-22. Review status: criteria provided, single submitter. Criteria: Invitae Variant Classification Sherloc (09022015). Collection method: clinical testing. Allele origin: germline.
Comment: This sequence change replaces histidine, which is basic and polar, with tyrosine, which is neutral and polar, at codon 31 of the CRYAB protein (p.His31Tyr). This variant is not present in population databases (gnomAD no frequency). This variant has not been reported in the literature in individuals affected with CRYAB-related conditions. An algorithm developed to predict the effect of missense changes on protein structure and function (PolyPhen-2) suggests that this variant is likely to be disruptive. In summary, the available evidence is currently insufficient to determine the role of this variant in disease. Therefore, it has been classified as a Variant of Uncertain Significance.